The following is an entry in ClinVar:

ClinVar aggregate classification (germline): Uncertain significance (1 of 4 stars; one submission).

gnomAD v4.1: 45 of 1,613,906 alleles (0.0028%); highest among the groups gnomAD compares: Admixed American, 0.005%; no homozygotes.

Submission:

Labcorp Genetics (formerly Invitae), Labcorp
Classification: Uncertain significance. Last evaluated: 2025-03-25. Review status: criteria provided, single submitter. Criteria: Invitae Variant Classification Sherloc (09022015). Collection method: clinical testing. Allele origin: germline.
Comment: This sequence change replaces arginine, which is basic and polar, with histidine, which is basic and polar, at codon 640 of the LRRC8A protein (p.Arg640His). This variant is present in population databases (rs748587126, gnomAD 0.009%). This variant has not been reported in the literature in individuals affected with LRRC8A-related conditions. An algorithm developed to predict the effect of missense changes on protein structure and function (PolyPhen-2) suggests that this variant is likely to be disruptive. In summary, the available evidence is currently insufficient to determine the role of this variant in disease. Therefore, it has been classified as a Variant of Uncertain Significance.

NM_019594.4(LRRC8A):c.1919G>A (p.Arg640His)

Gene: LRRC8A (leucine rich repeat containing 8 VRAC subunit A; plus strand). Cytogenetic location: 9q34.11.
Variant type: single nucleotide variant.
Coding change: c.1919G>A on transcript NM_019594.4 (MANE Select); coding-DNA position 1919, G replaced by A.
Protein change: p.Arg640His; replaces arginine 640 with histidine.
Molecular consequence: missense variant.
Genome position (GRCh38, 1-based): chr9:128,909,083, G>A. VCF-style: chr9-128909083-G-A. GRCh37 (hg19) VCF-style: chr9-131671362-G-A.
Other names: c.1919G>A, p.Arg640His (NM_001127244.2, NM_001127245.2); short protein forms R640H.
Identifiers: ClinVar variation 3645807 (VCV003645807.2).